The following is an entry in ClinVar:

NM_003664.5(AP3B1):c.2146A>C (p.Ser716Arg)

Gene: AP3B1 (adaptor related protein complex 3 subunit beta 1; minus strand). Cytogenetic location: 5q14.1.
Variant type: single nucleotide variant.
Coding change: c.2146A>C on transcript NM_003664.5 (MANE Select); coding-DNA position 2146, A replaced by C.
Protein change: p.Ser716Arg; replaces serine 716 with arginine.
Molecular consequence: missense variant.
Genome position (GRCh38, 1-based): chr5:78,113,855, T>G on the plus strand (A>C on the coding strand, the complement: AP3B1 is on the minus strand). VCF-style: chr5-78113855-T-G. GRCh37 (hg19) VCF-style: chr5-77409679-T-G.
Other names: c.2146A>C (NM_003664.3); c.1999A>C, p.Ser667Arg (NM_001271769.2); short protein forms S667R, S716R.
Identifiers: ClinVar variation 1497989 (VCV001497989.6), dbSNP rs1365271615, ClinGen allele CA360183727.

ClinVar aggregate classification (germline): Uncertain significance. Review status: criteria provided, multiple submitters, no conflicts (2 of 4 stars). 2 submissions from 2 submitters: Uncertain significance (2). Last evaluated 2024-11-09.

Conditions:
Inborn genetic diseases. Identifiers: MedGen C0950123, MeSH D030342.
Hermansky-Pudlak syndrome 2 (HPS2). Also called: Platelet defects and oculocutaneous albinism. Identifiers: Orphanet 183678, Orphanet 79430, MedGen C1842362, MONDO:0011997, OMIM 608233.

Allele frequency attached by ClinVar (database versions not stated): gnomAD exomes below 0.00001; TOPMed 0.00001.
gnomAD v4.1: 2 of 1,614,236 alleles (0.00012%); highest among the groups gnomAD compares: Non-Finnish European, 0.00017%; no homozygotes.

Submissions (2):

Ambry Genetics
Classification: Uncertain significance for Inborn genetic diseases. Last evaluated: 2024-11-09. Review status: criteria provided, single submitter. Criteria: Ambry Variant Classification Scheme 2023. Collection method: clinical testing. Allele origin: germline.

Labcorp Genetics (formerly Invitae), Labcorp
Classification: Uncertain significance for Hermansky-Pudlak syndrome 2. Last evaluated: 2021-09-01. Review status: criteria provided, single submitter. Criteria: Invitae Variant Classification Sherloc (09022015). Collection method: clinical testing. Allele origin: germline.
Comment: This sequence change replaces serine with arginine at codon 716 of the AP3B1 protein (p.Ser716Arg). The serine residue is highly conserved and there is a moderate physicochemical difference between serine and arginine. This variant is not present in population databases (ExAC no frequency). This variant has not been reported in the literature in individuals affected with AP3B1-related conditions. Algorithms developed to predict the effect of missense changes on protein structure and function (SIFT, PolyPhen-2, Align-GVGD) all suggest that this variant is likely to be tolerated. In summary, the available evidence is currently insufficient to determine the role of this variant in disease. Therefore, it has been classified as a Variant of Uncertain Significance.